The following is an entry in ClinVar:

NM_003289.4(TPM2):c.470A>G (p.Asp157Gly)

Gene: TPM2 (tropomyosin 2; minus strand). Cytogenetic location: 9p13.3.
Variant type: single nucleotide variant.
Coding change: c.470A>G on transcript NM_003289.4 (MANE Select); coding-DNA position 470, A replaced by G.
Protein change: p.Asp157Gly; replaces aspartic acid 157 with glycine.
Molecular consequence: missense variant.
Genome position (GRCh38, 1-based): chr9:35,685,456, T>C on the plus strand (A>G on the coding strand, the complement: TPM2 is on the minus strand). VCF-style: chr9-35685456-T-C. GRCh37 (hg19) VCF-style: chr9-35685453-T-C.
Other names: c.470A>G, p.Asp157Gly (NM_001301226.2, NM_001301227.2, NM_213674.1); short protein forms D157G.
Identifiers: ClinVar variation 2087628 (VCV002087628.4), dbSNP rs2490683212, ClinGen allele CA373367090.

ClinVar aggregate classification (germline): Uncertain significance (1 of 4 stars; one submission).

Conditions:
Arthrogryposis, distal, type 1A. Also called: ARTHROGRYPOSIS MULTIPLEX CONGENITA, DISTAL, TYPE I. Identifiers: Orphanet 1146, MedGen C6022280, MONDO:0007157, OMIM 108120.

Submission:

Labcorp Genetics (formerly Invitae), Labcorp
Classification: Uncertain significance for Arthrogryposis, distal, type 1A. Last evaluated: 2023-05-15. Review status: criteria provided, single submitter. Criteria: Invitae Variant Classification Sherloc (09022015). Collection method: clinical testing. Allele origin: germline.
Comment: This variant is not present in population databases (gnomAD no frequency). This variant has not been reported in the literature in individuals affected with TPM2-related conditions. ClinVar contains an entry for this variant (Variation ID: 2087628). Advanced modeling of protein sequence and biophysical properties (such as structural, functional, and spatial information, amino acid conservation, physicochemical variation, residue mobility, and thermodynamic stability) performed at Invitae indicates that this missense variant is not expected to disrupt TPM2 protein function. In summary, the available evidence is currently insufficient to determine the role of this variant in disease. Therefore, it has been classified as a Variant of Uncertain Significance. This sequence change replaces aspartic acid, which is acidic and polar, with glycine, which is neutral and non-polar, at codon 157 of the TPM2 protein (p.Asp157Gly).